The following is an entry in ClinVar:

ClinVar aggregate classification (germline): Uncertain significance. Review status: criteria provided, multiple submitters, no conflicts (2 of 4 stars). 2 submissions from 2 submitters: Uncertain significance (2). Last evaluated 2025-04-19.

Conditions:
MHC class I deficiency. Identifiers: Orphanet 34592, MedGen C6024714, MONDO:0011476.

Submissions (2):

Labcorp Genetics (formerly Invitae), Labcorp
Classification: Uncertain significance for MHC class I deficiency 1. Last evaluated: 2025-04-19. Review status: criteria provided, single submitter. Criteria: Invitae Variant Classification Sherloc (09022015). Collection method: clinical testing. Allele origin: germline.
Comment: This sequence change replaces asparagine, which is neutral and polar, with lysine, which is basic and polar, at codon 114 of the TAPBP protein (p.Asn114Lys). This variant is present in population databases (rs778522290, gnomAD 0.01%). This variant has not been reported in the literature in individuals affected with TAPBP-related conditions. ClinVar contains an entry for this variant (Variation ID: 1033979). An algorithm developed to predict the effect of missense changes on protein structure and function (PolyPhen-2) suggests that this variant is likely to be tolerated. In summary, the available evidence is currently insufficient to determine the role of this variant in disease. Therefore, it has been classified as a Variant of Uncertain Significance.

Baylor Genetics
Classification: Uncertain significance for MHC class I deficiency 1. Last evaluated: 2018-02-06. Review status: criteria provided, single submitter. Criteria: ACMG Guidelines, 2015. Collection method: clinical testing. Allele origin: paternal. Affected: yes.
Comment: This variant was determined to be of uncertain significance according to ACMG Guidelines, 2015 [PMID:25741868].

NM_003190.5(TAPBP):c.342C>G (p.Asn114Lys)

Gene: TAPBP (TAP binding protein; minus strand). Cytogenetic location: 6p21.32.
Variant type: single nucleotide variant.
Coding change: c.342C>G on transcript NM_003190.5 (MANE Select); coding-DNA position 342, C replaced by G.
Protein change: p.Asn114Lys; replaces asparagine 114 with lysine.
Molecular consequence: missense variant. On other transcripts: intron variant (1).
Genome position (GRCh38, 1-based): chr6:33,313,344, G>C on the plus strand (C>G on the coding strand, the complement: TAPBP is on the minus strand). VCF-style: chr6-33313344-G-C. GRCh37 (hg19) VCF-style: chr6-33281121-G-C.
Other names: c.342C>G, p.Asn114Lys (NM_172208.3); c.208+350C>G (NM_172209.3); short protein forms N114K.
Identifiers: ClinVar variation 1033979 (VCV001033979.8), dbSNP rs778522290, ClinGen allele CA3755910.